The following is an entry in ClinVar:

ClinVar aggregate classification (germline): Uncertain significance (1 of 4 stars; one submission).

Submission:

Dasa
Classification: Uncertain significance. Last evaluated: 2026-05-15. Review status: criteria provided, single submitter. Criteria: DASA Assertion Criteria. Collection method: clinical testing. Allele origin: germline.
Comment: NM_017780.4(CHD7):c.3113G>C (p.Trp1038Ser) is a missense variant that results in the substitution of tryptophan with serine. This variant is rare in population databases. Computational prediction algorithms are consistent with a deleterious effect. The currently available literature and clinical evidence are not sufficient to establish a definitive association between this variant and the reported condition. Therefore, this variant is classified as a variant of uncertain significance.

NM_017780.4(CHD7):c.3113G>C (p.Trp1038Ser)

Gene: CHD7 (chromodomain helicase DNA binding protein 7; plus strand). Cytogenetic location: 8q12.2.
Variant type: single nucleotide variant.
Coding change: c.3113G>C on transcript NM_017780.4 (MANE Select); coding-DNA position 3113, G replaced by C.
Protein change: p.Trp1038Ser; replaces tryptophan 1038 with serine.
Molecular consequence: missense variant. On other transcripts: intron variant (1).
Genome position (GRCh38, 1-based): chr8:60,822,658, G>C. VCF-style: chr8-60822658-G-C. GRCh37 (hg19) VCF-style: chr8-61735217-G-C.
Other names: c.1717-39571G>C (NM_001316690.1); short protein forms W1038S.
Identifiers: ClinVar variation 5020558 (VCV005020558.1).